The following is an entry in ClinVar:

ClinVar aggregate classification (germline): Uncertain significance (1 of 4 stars; one submission).

Conditions:
Catecholaminergic polymorphic ventricular tachycardia (CVPT). Also called: Catecholamine-induced polymorphic ventricular tachycardia. Identifiers: Orphanet 3286, MedGen C5574922, MONDO:0017990.

Submission:

All of Us Research Program, National Institutes of Health
Classification: Uncertain significance for Catecholaminergic polymorphic ventricular tachycardia. Last evaluated: 2023-03-23. Review status: criteria provided, single submitter. Criteria: ACMG Guidelines, 2015. Collection method: clinical testing. Allele origin: germline. Inheritance: Autosomal dominant inheritance. Observed: 2 variant alleles, 2 heterozygotes.
Comment: This missense variant replaces aspartic acid with asparagine at codon 1125 of the RYR2 protein. Computational prediction suggests that this variant may not impact protein structure and function (internally defined REVEL score threshold <= 0.5, PMID: 27666373). To our knowledge, functional studies have not been reported for this variant. This variant has not been reported in individuals affected with RYR2-related disorders in the literature. This variant has not been identified in the general population by the Genome Aggregation Database (gnomAD). The available evidence is insufficient to determine the role of this variant in disease conclusively. Therefore, this variant is classified as a Variant of Uncertain Significance.

This study involves interpretation of variants in research participants for the purpose of population health screening. Participant phenotype was not available at the time of variant classification. Additional details can be found in publication PMID: 35346344, PMCID: PMC8962531

NM_001035.3(RYR2):c.3373G>A (p.Asp1125Asn)

Gene: RYR2 (ryanodine receptor 2; plus strand). Cytogenetic location: 1q43.
Variant type: single nucleotide variant.
Coding change: c.3373G>A on transcript NM_001035.3 (MANE Select); coding-DNA position 3373, G replaced by A.
Protein change: p.Asp1125Asn; replaces aspartic acid 1125 with asparagine.
Molecular consequence: missense variant.
Genome position (GRCh38, 1-based): chr1:237,566,725, G>A. VCF-style: chr1-237566725-G-A. GRCh37 (hg19) VCF-style: chr1-237730025-G-A.
Other names: short protein forms D1125N.
Identifiers: ClinVar variation 3069937 (VCV003069937.1), dbSNP rs768180590, ClinGen allele CA345398706.